The following is an entry in ClinVar:

NM_053025.4(MYLK):c.5309G>A (p.Arg1770Lys)

Genes: MYLK (myosin light chain kinase; minus strand), MYLK-AS1 (MYLK antisense RNA 1; plus strand). Cytogenetic location: 3q21.1.
Variant type: single nucleotide variant.
Coding change: c.5309G>A on transcript NM_053025.4 (MANE Select); coding-DNA position 5309, G replaced by A.
Protein change: p.Arg1770Lys; replaces arginine 1770 with lysine.
Molecular consequence: missense variant.
Genome position (GRCh38, 1-based): chr3:123,620,266, C>T on the plus strand (G>A on the coding strand, the complement: MYLK is on the minus strand). VCF-style: chr3-123620266-C-T. GRCh37 (hg19) VCF-style: chr3-123339113-C-T.
Other names: c.4781G>A, p.Arg1594Lys (NM_001321309.2); c.29G>A, p.Arg10Lys (NM_001438035.1, NM_053031.4, NM_053032.4); c.5102G>A, p.Arg1701Lys (NM_053026.4); c.5156G>A, p.Arg1719Lys (NM_053027.4); c.4949G>A, p.Arg1650Lys (NM_053028.4); short protein forms R1701K, R1770K, R1594K, R10K, R1650K, R1719K.
Identifiers: ClinVar variation 4843597 (VCV004843597.1).

ClinVar aggregate classification (germline): Uncertain significance (1 of 4 stars; one submission).

Conditions:
Familial thoracic aortic aneurysm and aortic dissection (TAAD). Also called: Thoracic aortic aneurysms and dissections. Identifiers: Orphanet 91387, MedGen C4707243, MONDO:0019625.

gnomAD v4.1: 4 of 1,614,076 alleles (0.00025%); highest among the groups gnomAD compares: African/African-American, 0.0053%; no homozygotes.

Submission:

Ambry Genetics
Classification: Uncertain significance for Familial thoracic aortic aneurysm and aortic dissection. Last evaluated: 2025-12-30. Review status: criteria provided, single submitter. Criteria: Ambry Variant Classification Scheme 2023. Collection method: clinical testing. Allele origin: germline.
Comment: The p.R1770K variant (also known as c.5309G>A), located in coding exon 29 of the MYLK gene, results from a G to A substitution at nucleotide position 5309. The arginine at codon 1770 is replaced by lysine, an amino acid with highly similar properties. This amino acid position is conserved. In addition, this alteration is predicted to be tolerated by in silico analysis. Based on the available evidence, the clinical significance of this variant remains unclear.